The following is an entry in ClinVar:

NM_001943.5(DSG2):c.1429C>G (p.Pro477Ala)

Gene: DSG2 (desmoglein 2; plus strand). Cytogenetic location: 18q12.1.
Variant type: single nucleotide variant.
Coding change: c.1429C>G on transcript NM_001943.5 (MANE Select); coding-DNA position 1429, C replaced by G.
Protein change: p.Pro477Ala; replaces proline 477 with alanine.
Molecular consequence: missense variant.
Genome position (GRCh38, 1-based): chr18:31,536,207, C>G. VCF-style: chr18-31536207-C-G. GRCh37 (hg19) VCF-style: chr18-29116170-C-G.
Other names: short protein forms P477A.
Identifiers: ClinVar variation 3070825 (VCV003070825.2), dbSNP rs768590596, ClinGen allele CA297741214.

ClinVar aggregate classification (germline): Uncertain significance. Review status: criteria provided, multiple submitters, no conflicts (2 of 4 stars). 2 submissions from 2 submitters: Uncertain significance (2). Last evaluated 2025-06-10.

Conditions:
Cardiovascular phenotype. Identifiers: MedGen CN230736.
Arrhythmogenic right ventricular cardiomyopathy (ARVD). Also called: Arrhythmogenic right ventricular dysplasia; Cardiomyopathy, ARVC; Arrhythmogenic cardiomyopathy; Arrhythmogenic Right Ventricular Cardiomyopathy (ARVC). Identifiers: Orphanet 247, MedGen C0349788, MeSH D019571, MONDO:0016587. Disease mechanism: loss of function. Inheritance: Various modes of inheritance.

Allele frequency attached by ClinVar (database versions not stated): gnomAD exomes 0.00001.
gnomAD v4.1: 10 of 1,613,844 alleles (0.00062%); highest among the groups gnomAD compares: Non-Finnish European, 0.00068%; no homozygotes.

Submissions (2):

Ambry Genetics
Classification: Uncertain significance for Cardiovascular phenotype. Last evaluated: 2025-06-10. Review status: criteria provided, single submitter. Criteria: Ambry Variant Classification Scheme 2023. Collection method: clinical testing. Allele origin: germline.
Comment: The p.P477A variant (also known as c.1429C>G), located in coding exon 11 of the DSG2 gene, results from a C to G substitution at nucleotide position 1429. The proline at codon 477 is replaced by alanine, an amino acid with highly similar properties. This amino acid position is conserved. In addition, this alteration is predicted to be tolerated by in silico analysis. Based on the available evidence, the clinical significance of this variant remains unclear.

All of Us Research Program, National Institutes of Health
Classification: Uncertain significance for Arrhythmogenic right ventricular cardiomyopathy. Last evaluated: 2023-05-04. Review status: criteria provided, single submitter. Criteria: ACMG Guidelines, 2015. Collection method: clinical testing. Allele origin: germline. Inheritance: Autosomal dominant inheritance. Observed: 1 variant allele, 1 heterozygote.
Comment: This missense variant replaces proline with alanine at codon 477 of the DSG2 protein. Computational prediction suggests that this variant may not impact protein structure and function (internally defined REVEL score threshold <= 0.5, PMID: 27666373). To our knowledge, functional studies have not been reported for this variant. This variant has not been reported in individuals affected with DSG2-related disorders in the literature. This variant has been identified in 1/249116 chromosomes in the general population by the Genome Aggregation Database (gnomAD). The available evidence is insufficient to determine the role of this variant in disease conclusively. Therefore, this variant is classified as a Variant of Uncertain Significance.

This study involves interpretation of variants in research participants for the purpose of population health screening. Participant phenotype was not available at the time of variant classification. Additional details can be found in publication PMID: 35346344, PMCID: PMC8962531